The following is an entry in ClinVar:

NM_000178.4(GSS):c.399C>T (p.Ser133=)

Gene: GSS (glutathione synthetase; minus strand). Cytogenetic location: 20q11.22.
Variant type: single nucleotide variant.
Coding change: c.399C>T on transcript NM_000178.4 (MANE Select); coding-DNA position 399, C replaced by T.
Protein change: p.Ser133=; no amino-acid change (serine 133 retained).
Molecular consequence: synonymous variant.
Genome position (GRCh38, 1-based): chr20:34,942,580, G>A on the plus strand (C>T on the coding strand, the complement: GSS is on the minus strand). VCF-style: chr20-34942580-G-A. GRCh37 (hg19) VCF-style: chr20-33530383-G-A.
Other names: c.399C>T, p.Ser133= (NM_001322494.1, NM_001322495.1, LRG_1168t1).
Identifiers: ClinVar variation 392115 (VCV000392115.10), dbSNP rs181055807, ClinGen allele CA9826087.

ClinVar aggregate classification (germline): Likely benign. Review status: criteria provided, multiple submitters, no conflicts (2 of 4 stars). 3 submissions from 3 submitters: Likely benign (3). Last evaluated 2026-01-28.

Conditions:
Glutathione synthetase deficiency with 5-oxoprolinuria. Also called: 5-OXOPROLINURIA DUE TO GLUTATHIONE SYNTHETASE DEFICIENCY; Gluthathione synthetase deficiency; PYROGLUTAMIC ACIDURIA; 5-Oxoprolinuria; Reduced glutathione synthetase level. Identifiers: Orphanet 289846, MedGen C0398746, MONDO:0009947, OMIM 266130, HP:0003343.

Allele frequency attached by ClinVar (database versions not stated): gnomAD exomes 0.00008 and 0.00019; gnomAD 0.00015 and 0.00016; 1000 Genomes Project 30x 0.00016; ExAC 0.00016; TOPMed 0.00017; 1000 Genomes Project 0.00020.
gnomAD v4.1: 139 of 1,613,914 alleles (0.0086%); highest among the groups gnomAD compares: East Asian, 0.082%; no homozygotes.

Submissions (3):

Labcorp Genetics (formerly Invitae), Labcorp
Classification: Likely benign for Glutathione synthetase deficiency with 5-oxoprolinuria. Last evaluated: 2026-01-28. Review status: criteria provided, single submitter. Criteria: Invitae Variant Classification Sherloc (09022015). Collection method: clinical testing. Allele origin: germline.

Blueprint Genetics
Classification: Likely benign. Last evaluated: 2024-10-14. Review status: criteria provided, single submitter. Criteria: ACMG Guidelines, 2015. Collection method: clinical testing. Allele origin: germline.

GeneDx
Classification: Likely benign. Last evaluated: 2017-01-05. Review status: criteria provided, single submitter. Criteria: GeneDx Variant Classification (06012015). Collection method: clinical testing. Allele origin: germline. Affected: yes.
Comment: This variant is considered likely benign or benign based on one or more of the following criteria: it is a conservative change, it occurs at a poorly conserved position in the protein, it is predicted to be benign by multiple in silico algorithms, and/or has population frequency not consistent with disease.